The following is an entry in ClinVar:

ClinVar aggregate classification (germline): Pathogenic. Review status: criteria provided, multiple submitters, no conflicts (2 of 4 stars). 2 submissions from 2 submitters: Pathogenic (2). Last evaluated 2024-12-16.

Conditions:
Cone dystrophy 3 (COD3). Also called: RETINAL CONE DYSTROPHY. Identifiers: Orphanet 1872, MedGen C1865869, MONDO:0011193, OMIM 602093.

Submissions (2):

Labcorp Genetics (formerly Invitae), Labcorp
Classification: Pathogenic. Last evaluated: 2024-12-16. Review status: criteria provided, single submitter. Criteria: Invitae Variant Classification Sherloc (09022015). Collection method: clinical testing. Allele origin: germline.
Comment: This sequence change replaces asparagine, which is neutral and polar, with lysine, which is basic and polar, at codon 104 of the GUCA1A protein (p.Asn104Lys). This variant is not present in population databases (gnomAD no frequency). This missense change has been observed in individual(s) with cone rod dystrophy (PMID: 18706439). It has also been observed to segregate with disease in related individuals. ClinVar contains an entry for this variant (Variation ID: 1070956). An algorithm developed to predict the effect of missense changes on protein structure and function (PolyPhen-2) suggests that this variant is likely to be disruptive. Experimental studies have shown that this missense change affects GUCA1A function (PMID: 18706439). For these reasons, this variant has been classified as Pathogenic.

3billion
Classification: Pathogenic for Cone dystrophy 3. Last evaluated: 2023-08-16. Review status: criteria provided, single submitter. Criteria: ACMG Guidelines, 2015. Collection method: clinical testing. Allele origin: germline. Affected: yes.
Comment: The variant is not observed in the gnomAD v2.1.1 dataset. Predicted Consequence/Location: Missense changes are a common disease-causing mechanism. In silico tool predictions suggest damaging effect of the variant on gene or gene product [REVEL: 0.56 (>=0.6, sensitivity 0.68 and specificity 0.92); 3Cnet: 0.78 (>=0.6, sensitivity 0.72 and precision 0.9)]. Same nucleotide change resulting in same amino acid change has been previously reported as pathogenic/likely pathogenic with strong evidence (ClinVar ID: VCV001070956 /PMID: 18706439). The variant has been reported to co-segregate with the disease in at least 3 similarly affected relatives/individuals in the same family or similarly affected unrelated families (PMID: 18706439). A different missense change at the same codon (p.Asn104His) has been reported to be associated with GUCA1A related disorder (PMID: 34639157). Therefore, this variant is classified as Pathogenic according to the recommendation of ACMG/AMP guideline.

Literature cited by the submitters: PubMed 18706439 (cited by Labcorp Genetics (formerly Invitae), Labcorp and 3billion); PubMed 34639157 (cited by 3billion).

NM_001384910.1(GUCA1A):c.312C>G (p.Asn104Lys)

Genes: GUCA1A (guanylate cyclase activator 1A; plus strand), GUCA1ANB-GUCA1A (GUCA1ANB-GUCA1A readthrough; plus strand). Cytogenetic location: 6p21.1.
Variant type: single nucleotide variant.
Coding change: c.312C>G on transcript NM_001384910.1 (MANE Select); coding-DNA position 312, C replaced by G.
Protein change: p.Asn104Lys; replaces asparagine 104 with lysine.
Molecular consequence: missense variant.
Genome position (GRCh38, 1-based): chr6:42,178,390, C>G. VCF-style: chr6-42178390-C-G. GRCh37 (hg19) VCF-style: chr6-42146128-C-G.
Other names: c.312C>G, p.Asn104Lys (NM_000409.5, NM_001319061.2, NM_001319062.2); short protein forms N104K.
Identifiers: ClinVar variation 1070956 (VCV001070956.10), dbSNP rs749013749, ClinGen allele CA364109227.